The following is an entry in ClinVar:

ClinVar aggregate classification (germline): Uncertain significance (1 of 4 stars; one submission).

gnomAD v4.1: 1 of 1,614,200 alleles (0.000062%); highest among the groups gnomAD compares: Non-Finnish European, 0.000085%; no homozygotes.

Submission:

Athena Diagnostics
Classification: Uncertain significance. Last evaluated: 2025-04-03. Review status: criteria provided, single submitter. Criteria: Athena Diagnostics Criteria. Collection method: clinical testing. Allele origin: unknown.
Comment: Available data are insufficient to determine the clinical significance of the variant at this time. This variant has not been reported in large, multi-ethnic general populations. Computational tools yielded predictions that this variant may result in the gain of a cryptic splice site without affecting the natural splice sites. Polyphen and MutationTaster yielded discordant predictions regarding whether this amino acid change is damaging to the protein.

NM_182961.4(SYNE1):c.24827C>T (p.Ala8276Val)

Gene: SYNE1 (spectrin repeat containing nuclear envelope protein 1; minus strand). Cytogenetic location: 6q25.2.
Variant type: single nucleotide variant.
Coding change: c.24827C>T on transcript NM_182961.4 (MANE Select); coding-DNA position 24827, C replaced by T.
Protein change: p.Ala8276Val; replaces alanine 8276 with valine.
Molecular consequence: missense variant.
Genome position (GRCh38, 1-based): chr6:152,148,194, G>A on the plus strand (C>T on the coding strand, the complement: SYNE1 is on the minus strand). VCF-style: chr6-152148194-G-A. GRCh37 (hg19) VCF-style: chr6-152469329-G-A.
Other names: c.1433C>T, p.Ala478Val (NM_001347701.2); c.1292C>T, p.Ala431Val (NM_001347702.2); c.24614C>T, p.Ala8205Val (NM_033071.5); short protein forms A431V, A478V, A8205V, A8276V.
Identifiers: ClinVar variation 4682317 (VCV004682317.1).
Genomic context (GRCh38, chr6:152,148,194, plus strand): 5'-TCCAGGTCCCGACTGAGGTCATAGTCGTGATCCCACTCCAGGGGGATGGAGTCCACACTA[G>A]CCGGGGTGTCTCGTCCTGACCGCTCGCTCCGGAGGGGCTGAGCGAGCGAGAGGGAGAGAT-3'
Protein context (NP_892006.3, residues 8266-8286): RSERSGRDTP[Ala8276Val]SVDSIPLEWD